The following is an entry in ClinVar:

ClinVar aggregate classification (germline): Uncertain significance (1 of 4 stars; one submission).

Conditions:
Combined immunodeficiency due to MALT1 deficiency. Also called: Immunodeficiency 12. Identifiers: Orphanet 397964, MedGen C3809583, MONDO:0014197, OMIM 615468.

Submission:

Labcorp Genetics (formerly Invitae), Labcorp
Classification: Uncertain significance for Combined immunodeficiency due to MALT1 deficiency. Last evaluated: 2021-09-06. Review status: criteria provided, single submitter. Criteria: Invitae Variant Classification Sherloc (09022015). Collection method: clinical testing. Allele origin: germline.
Comment: In summary, the available evidence is currently insufficient to determine the role of this variant in disease. Therefore, it has been classified as a Variant of Uncertain Significance. Algorithms developed to predict the effect of missense changes on protein structure and function are either unavailable or do not agree on the potential impact of this missense change (SIFT: "Tolerated"; PolyPhen-2: "Possibly Damaging"; Align-GVGD: "Class C0"). This variant has not been reported in the literature in individuals affected with MALT1-related conditions. This variant is not present in population databases (ExAC no frequency). This sequence change replaces asparagine with serine at codon 577 of the MALT1 protein (p.Asn577Ser). The asparagine residue is highly conserved and there is a small physicochemical difference between asparagine and serine.

NM_006785.4(MALT1):c.1730A>G (p.Asn577Ser)

Gene: MALT1 (MALT1 paracaspase; plus strand). Cytogenetic location: 18q21.32.
Variant type: single nucleotide variant.
Coding change: c.1730A>G on transcript NM_006785.4 (MANE Select); coding-DNA position 1730, A replaced by G.
Protein change: p.Asn577Ser; replaces asparagine 577 with serine.
Molecular consequence: missense variant.
Genome position (GRCh38, 1-based): chr18:58,741,991, A>G. VCF-style: chr18-58741991-A-G. GRCh37 (hg19) VCF-style: chr18-56409223-A-G.
Other names: c.1697A>G, p.Asn566Ser (NM_173844.3); short protein forms N566S, N577S.
Identifiers: ClinVar variation 1379950 (VCV001379950.6), dbSNP rs1288772521, ClinGen allele CA402575646.